The following is an entry in ClinVar:

NM_005619.5(RTN2):c.232C>T (p.Arg78Cys)

Genes: OPA3-RTN2 (OPA3-RTN2 readthrough; minus strand), RTN2 (reticulon 2; minus strand). Cytogenetic location: 19q13.32.
Variant type: single nucleotide variant.
Coding change: c.232C>T on transcript NM_005619.5 (MANE Select); coding-DNA position 232, C replaced by T.
Protein change: p.Arg78Cys; replaces arginine 78 with cysteine.
Molecular consequence: missense variant.
Genome position (GRCh38, 1-based): chr19:45,494,853, G>A on the plus strand (C>T on the coding strand, the complement: RTN2 is on the minus strand). VCF-style: chr19-45494853-G-A. GRCh37 (hg19) VCF-style: chr19-45998111-G-A.
Other names: c.232C>T, p.Arg78Cys (NM_206900.3); short protein forms R78C.
Identifiers: ClinVar variation 1480081 (VCV001480081.6), dbSNP rs2122228490, ClinGen allele CA406362443.

ClinVar aggregate classification (germline): Uncertain significance (1 of 4 stars; one submission).

Conditions:
Spastic paraplegia. Identifiers: MedGen C0037772, HP:0001258.

Allele frequency attached by ClinVar (database versions not stated): gnomAD exomes below 0.00001.
gnomAD v4.1: 5 of 1,605,136 alleles (0.00031%); highest among the groups gnomAD compares: Non-Finnish European, 0.00025%; no homozygotes.

Submission:

Labcorp Genetics (formerly Invitae), Labcorp
Classification: Uncertain significance for Spastic paraplegia. Last evaluated: 2021-08-18. Review status: criteria provided, single submitter. Criteria: Invitae Variant Classification Sherloc (09022015). Collection method: clinical testing. Allele origin: germline.
Comment: This variant is not present in population databases (ExAC no frequency). In summary, the available evidence is currently insufficient to determine the role of this variant in disease. Therefore, it has been classified as a Variant of Uncertain Significance. Algorithms developed to predict the effect of missense changes on protein structure and function are either unavailable or do not agree on the potential impact of this missense change (SIFT: "Deleterious"; PolyPhen-2: "Probably Damaging"; Align-GVGD: "Class C0"). This variant has not been reported in the literature in individuals affected with RTN2-related conditions. This sequence change replaces arginine with cysteine at codon 78 of the RTN2 protein (p.Arg78Cys). The arginine residue is weakly conserved and there is a large physicochemical difference between arginine and cysteine.